The following is an entry in ClinVar:

NM_003024.3(ITSN1):c.4021G>T (p.Ala1341Ser)

Gene: ITSN1 (intersectin 1; plus strand). Cytogenetic location: 21q22.11.
Variant type: single nucleotide variant.
Coding change: c.4021G>T on transcript NM_003024.3 (MANE Select); coding-DNA position 4021, G replaced by T.
Protein change: p.Ala1341Ser; replaces alanine 1341 with serine.
Molecular consequence: missense variant.
Genome position (GRCh38, 1-based): chr21:33,865,281, G>T. VCF-style: chr21-33865281-G-T. GRCh37 (hg19) VCF-style: chr21-35237585-G-T.
Other names: c.4006G>T, p.Ala1336Ser (NM_001331010.2); short protein forms A1336S, A1341S.
Identifiers: ClinVar variation 4883754 (VCV004883754.2).
Genomic context (GRCh38, chr21:33,865,281, plus strand): 5'-GCACAGCTGCCGCACATGCAGCCCTACATCCGCTTCTGCAGCCGCCAGCTCAACGGGGCT[G>T]CCCTGATCCAGCAGAAGACGGATGAGGCCCCAGACTTCAAGGAGTTCGTCAAAGTAAGGA-3'
Protein context (NP_003015.2, residues 1331-1351): RFCSRQLNGA[Ala1341Ser]LIQQKTDEAP

ClinVar aggregate classification (germline): Uncertain significance (1 of 4 stars; one submission).

Conditions:
ITSN1-related neurodevelopmental disorders.

gnomAD v4.1: 5 of 1,602,438 alleles (0.00031%); highest among the groups gnomAD compares: Non-Finnish European, 0.00043%; no homozygotes.

Submission:

Dasa
Classification: Uncertain significance for ITSN1-related neurodevelopmental disorders. Last evaluated: 2025-11-10. Review status: criteria provided, single submitter. Criteria: DASA Assertion Criteria. Collection method: clinical testing. Allele origin: germline.
Comment: NM_003024.3(ITSN1):c.4021G>T (p.Ala1341Ser) is a missense variant that results in the substitution of alanine with serine. This variant is rare in population databases. Computational prediction algorithms are consistent with a benign effect. The currently available literature and clinical evidence are not sufficient to establish a definitive association between this variant and the reported condition. Therefore, this variant is classified as a variant of uncertain significance.